The following is an entry in ClinVar:

ClinVar aggregate classification (germline): Uncertain significance (1 of 4 stars; one submission).

Conditions:
Noonan syndrome 9 (NS9). Identifiers: Orphanet 648, MedGen C4225282, MONDO:0014691, OMIM 616559.

Allele frequency attached by ClinVar (database versions not stated): gnomAD exomes below 0.00001.

Submission:

Foundation for Research in Genetics and Endocrinology, FRIGE's Institute of Human Genetics
Classification: Uncertain significance for Noonan syndrome 9. Last evaluated: 2022-02-08. Review status: criteria provided, single submitter. Criteria: ACMG Guidelines, 2015. Collection method: clinical testing. Allele origin: germline. Inheritance: Autosomal dominant inheritance. Affected: yes. Observed: 1 heterozygote.
Comment: A heterozygous missense variation in exon 20 of the SOS2 gene that results in the amino acid substitution of Arginine for Serine at codon 1101 was detected. The observed variant c.3303T>G (p.Ser1101Arg) has not been reported in the 1000 genomes and gnomAD databases. The in silico prediction of the variant are probably damaging by PolyPhen-2 (HumDiv) and damaging by SIFT, LRT and MutationTaster2. The reference codon is conserved across species.

NM_006939.4(SOS2):c.3303T>G (p.Ser1101Arg)

Gene: SOS2 (SOS Ras/Rho guanine nucleotide exchange factor 2; minus strand). Cytogenetic location: 14q21.3.
Variant type: single nucleotide variant.
Coding change: c.3303T>G on transcript NM_006939.4 (MANE Select); coding-DNA position 3303, T replaced by G.
Protein change: p.Ser1101Arg; replaces serine 1101 with arginine.
Molecular consequence: missense variant.
Genome position (GRCh38, 1-based): chr14:50,130,535, A>C on the plus strand (T>G on the coding strand, the complement: SOS2 is on the minus strand). VCF-style: chr14-50130535-A-C. GRCh37 (hg19) VCF-style: chr14-50597253-A-C.
Other names: p.Ser1101Arg; short protein forms S1101R.
Identifiers: ClinVar variation 1677312 (VCV001677312.3), dbSNP rs1317870927, ClinGen allele CA389640404.